The following is an entry in ClinVar:

ClinVar aggregate classification (germline): Pathogenic. Review status: criteria provided, multiple submitters, no conflicts (2 of 4 stars). 10 submissions from 10 submitters: Pathogenic (8). 2 of the submissions do not count toward it. Last evaluated 2026-06-01.

Conditions:
MC2R-related disorders.
Glucocorticoid Deficiency. Identifiers: MedGen C1955741.
Glucocorticoid deficiency 1 (GCCD1). Also called: Adrenal unresponsiveness to acth; FAMILIAL GLUCOCORTICOID DEFICIENCY 1; Glucocorticoid deficiency, due to ACTH unresponsiveness. Identifiers: Orphanet 361, MedGen C4049650, MONDO:0024536, OMIM 202200.

Allele frequency attached by ClinVar (database versions not stated): ExAC 0.00018; gnomAD exomes 0.00019 and 0.00047; TOPMed 0.00022; gnomAD 0.00030 and 0.00033.
gnomAD v4.1: 740 of 1,614,020 alleles (0.046%); highest among the groups gnomAD compares: Non-Finnish European, 0.059%; 1 homozygote.

Submissions (10):

CeGaT Center for Human Genetics Tuebingen
Classification: Pathogenic. Last evaluated: 2026-06-01. Review status: criteria provided, single submitter. Criteria: CeGaT Center For Human Genetics Tuebingen Variant Classification Criteria Version 2. Collection method: clinical testing. Allele origin: germline. Affected: yes. Observed: 2 variant alleles.
Comment: MC2R: PM3:Strong, PS3, PM2, PP4:Moderate, BP4

Blueprint Genetics
Classification: Pathogenic for MC2R-related disorders. Last evaluated: 2024-10-08. Review status: criteria provided, single submitter. Criteria: ACMG Guidelines, 2015. Collection method: clinical testing. Allele origin: germline. Affected: yes. Observed: 5 variant alleles.

Revvity Omics, Revvity
Classification: Pathogenic for Glucocorticoid deficiency 1. Last evaluated: 2024-02-22. Review status: criteria provided, single submitter. Criteria: ACMG Guidelines, 2015. Collection method: clinical testing. Allele origin: germline.

Women's Health and Genetics/Laboratory Corporation of America, LabCorp
Classification: Pathogenic for Glucocorticoid deficiency 1. Last evaluated: 2023-01-07. Review status: criteria provided, single submitter. Criteria: LabCorp Variant Classification Summary - May 2015. Collection method: clinical testing. Allele origin: germline.
Comment: Variant summary: MC2R c.221G>T (p.Ser74Ile) results in a non-conservative amino acid change located in the GPCR, rhodopsin-like, 7TM domain (IPR017452) of the encoded protein sequence. Four of five in-silico tools predict a damaging effect of the variant on protein function. The variant allele was found at a frequency of 0.00019 in 251482 control chromosomes. This frequency does not allow conclusions about variant significance. c.221G>T has been reported in the literature as biallelic homozygous or compound heterozygous genotypes in multiple individuals affected with Glucocorticoid Deficiency, due To ACTH unresponsiveness, a.k.a Familial Glucocorticoid Deficiency (FGD) (example, Weber_1994, Elias_1999, Buonocore_2021). These data indicate that the variant is very likely to be associated with disease. At least one publication reports experimental evidence evaluating an impact on protein function (example, Elias_1999). The most pronounced variant effect results in an impaired maximal cAMP response due to low affinity for ACTH and no significant signal transducing ability. Three clinical diagnostic laboratories have submitted clinical-significance assessments for this variant to ClinVar after 2014 without evidence for independent evaluation. All laboratories classified the variant as pathogenic. Based on the evidence outlined above, the variant was classified as pathogenic.

Fulgent Genetics
Classification: Pathogenic for Glucocorticoid deficiency 1. Last evaluated: 2022-04-26. Review status: criteria provided, single submitter. Criteria: ACMG Guidelines, 2015. Collection method: clinical testing. Allele origin: unknown.

Labcorp Genetics (formerly Invitae), Labcorp
Classification: Pathogenic. Last evaluated: 2021-09-02. Review status: criteria provided, single submitter. Criteria: Invitae Variant Classification Sherloc (09022015). Collection method: clinical testing. Allele origin: germline.
Comment: This sequence change replaces serine with isoleucine at codon 74 of the MC2R protein (p.Ser74Ile). The serine residue is highly conserved and there is a large physicochemical difference between serine and isoleucine. This variant is present in population databases (rs104894658, ExAC 0.03%). This missense change has been observed in individuals with FGD and familial glucocorticoid deficiency (FGD) (PMID: 7829641, 12213892, 14960026, 17223989, 19170705, 26650942). It has also been observed to segregate with disease in related individuals. ClinVar contains an entry for this variant (Variation ID: 3258). Algorithms developed to predict the effect of missense changes on protein structure and function are either unavailable or do not agree on the potential impact of this missense change (SIFT: "Deleterious"; PolyPhen-2: "Probably Damaging"; Align-GVGD: "Class C0"). Experimental studies have shown that this missense change affects MC2R function (PMID: 8250922, 9758716, 18840636). For these reasons, this variant has been classified as Pathogenic.

Illumina Laboratory Services, Illumina
Classification: Pathogenic for Glucocorticoid deficiency 1. Last evaluated: 2018-12-19. Review status: criteria provided, single submitter. Criteria: ICSL Variant Classification Criteria 09 May 2019. Collection method: clinical testing. Allele origin: germline.
Comment: Across a selection of the available literature, the MCR2 c.221G>T (p.Ser74Ile) variant has been identified in upwards of 45 individuals with glucocorticoid deficiency in either a homozygous or compound heterozygous state (Clark and Weber 1994; Lin et al. 2007; Chan et al. 2009; Chung et al. 2010; Matthew et al. 2011; Tsai et al, 2016). The p.Ser74Ile variant is reported at a frequency of 0.00035 in the European American population of the Exome Sequencing Project. Functional assays performed by Fluck et al. (2002) and Elias et al. (1999) demonstrated that the p.Ser74Ile variant elicited virtually no measurable enzymatic activity and was associated with an impaired maximal cAMP response when compared to wild type. Based on the collective evidence, the p.Ser74Ile variant is classified as pathogenic for glucocorticoid deficiency. This variant was observed by ICSL as part of a predisposition screen in an ostensibly healthy population.

Rady Children's Institute for Genomic Medicine, Rady Children's Hospital San Diego
Classification: Pathogenic for GLUCOCORTICOID DEFICIENCY 1. Last evaluated: 2018-03-30. Review status: criteria provided, single submitter. Criteria: ACMG Guidelines, 2015. Collection method: clinical testing. Allele origin: germline. Affected: yes. Observed: 1 variant allele.
Comment: This variant has been previously reported in multiple individuals affected with familial glucocorticoid deficiency (PMID: 8094489, 8069303, 26650942). Additionally, functional characterizations indicate that the p.Ser74Ile variant altered protein function relative to wild type protein (PMID: 12213892 10443676). The p.Ser74 residue is highly conserved, and in silico algorithms predict a damaging effect on protein function. The variant is rare, present as a heterozygous change in the population database gnomAD at a frequency of 0.01% (55/277226), but is not reported as a homozygous change. Based on the combined evidence, the variant is classified as Pathogenic.

Clinical Molecular Genetics Laboratory, Johns Hopkins All Children's Hospital
Classification: Pathogenic for Glucocorticoid Deficiency. Last evaluated: 2009-01-23. Review status: no assertion criteria provided. Collection method: clinical testing. Allele origin: germline. Affected: yes. Not counted in ClinVar's aggregate classification.

OMIM
Classification: Pathogenic for GLUCOCORTICOID DEFICIENCY 1. Last evaluated: 1993-02-20. Review status: no assertion criteria provided. Collection method: literature only. Allele origin: germline. Not counted in ClinVar's aggregate classification.

Literature cited by the submitters: PubMed 34258490 (cited by Women's Health and Genetics/Laboratory Corporation of America, LabCorp); PubMed 10443676 (cited by Women's Health and Genetics/Laboratory Corporation of America, LabCorp and Illumina Laboratory Services, Illumina); PubMed 8069303 (cited by Women's Health and Genetics/Laboratory Corporation of America, LabCorp); PubMed 7829641 (cited by Labcorp Genetics (formerly Invitae), Labcorp); PubMed 12213892 (cited by Labcorp Genetics (formerly Invitae), Labcorp and Illumina Laboratory Services, Illumina); PubMed 14960026 (cited by Labcorp Genetics (formerly Invitae), Labcorp); PubMed 17223989 (cited by Labcorp Genetics (formerly Invitae), Labcorp and Illumina Laboratory Services, Illumina); PubMed 19170705 (cited by Labcorp Genetics (formerly Invitae), Labcorp and Illumina Laboratory Services, Illumina); PubMed 26650942 (cited by Labcorp Genetics (formerly Invitae), Labcorp and Illumina Laboratory Services, Illumina); PubMed 8250922 (cited by Labcorp Genetics (formerly Invitae), Labcorp); PubMed 9758716 (cited by Labcorp Genetics (formerly Invitae), Labcorp); PubMed 18840636 (cited by Labcorp Genetics (formerly Invitae), Labcorp); PubMed 18407210 (cited by Illumina Laboratory Services, Illumina); PubMed 21932602 (cited by Illumina Laboratory Services, Illumina); PubMed 8094489 (cited by Illumina Laboratory Services, Illumina and OMIM); PubMed 19558534 (cited by Illumina Laboratory Services, Illumina).

NM_000529.2(MC2R):c.221G>T (p.Ser74Ile)

Gene: MC2R (melanocortin 2 receptor; minus strand). Cytogenetic location: 18p11.21.
Variant type: single nucleotide variant.
Coding change: c.221G>T on transcript NM_000529.2 (MANE Select); coding-DNA position 221, G replaced by T.
Protein change: p.Ser74Ile; replaces serine 74 with isoleucine.
Molecular consequence: missense variant.
Genome position (GRCh38, 1-based): chr18:13,885,298, C>A on the plus strand (G>T on the coding strand, the complement: MC2R is on the minus strand). VCF-style: chr18-13885298-C-A. GRCh37 (hg19) VCF-style: chr18-13885297-C-A.
Other names: c.221G>T, p.Ser74Ile (NM_001291911.1); short protein forms S74I.
Identifiers: ClinVar variation 3258 (VCV000003258.28), dbSNP rs104894658, ClinGen allele CA116116.